The following is an entry in ClinVar:

ClinVar aggregate classification (germline): Uncertain significance (1 of 4 stars; one submission).

Conditions:
PAX9-related disorder. Also called: PAX9-related condition.

Submission:

PreventionGenetics, part of Exact Sciences
Classification: Uncertain significance for PAX9-related condition. Last evaluated: 2025-12-05. Review status: criteria provided, single submitter. Criteria: ACMG Guidelines, 2015. Collection method: clinical testing. Allele origin: germline.
Comment: The PAX9 c.319_321delCTG variant is predicted to result in an in-frame deletion (p.Leu107del). To our knowledge, this variant has not been reported in the literature or in a large population database (gnomAD), indicating this variant is rare. At this time, the clinical significance of this variant is uncertain due to the absence of conclusive functional and genetic evidence.

NM_001372076.1(PAX9):c.316CTG[1] (p.Leu107del)

Gene: PAX9 (paired box 9; plus strand). Cytogenetic location: 14q13.3.
Variant type: Microsatellite.
Coding change: c.316CTG[1] on transcript NM_001372076.1 (MANE Select); one copy of the 3-base unit CTG starting at c.316; the reference has two copies in a row; one copy, 3 bases deleted.
Protein change: p.Leu107del; deletes leucine 107.
Molecular consequence: inframe deletion.
Genome position (GRCh38, 1-based): chr14:36,663,211-36,663,213, CTG deleted; deleting any 3 consecutive bases within chr14:36,663,208-36,663,213 gives the same sequence; the position shown is the placement nearest the transcript's 3' end. VCF-style (leftmost placement, unchanged base first): chr14-36663207-CCTG-C. GRCh37 (hg19) VCF-style: chr14-37132412-CCTG-C.
Other names: c.316CTG[1], p.Leu107del (NM_006194.4); short protein forms L107del.
Identifiers: ClinVar variation 4993096 (VCV004993096.1).
Genomic context (GRCh38, chr14:36,663,207, plus strand): 5'-ACACATCCGGACCTACAAGCAGAGAGACCCCGGCATCTTCGCCTGGGAGATCCGGGACCG[CCTG>C]CTGGCGGACGGCGTGTGCGACAAGTACAATGTGCCCTCCGTGAGCTCCATCAGCCGCATT-3'